The following is an entry in ClinVar:

NM_018136.5(ASPM):c.9444+8T>G

Gene: ASPM (assembly factor for spindle microtubules; minus strand). Cytogenetic location: 1q31.3.
Variant type: single nucleotide variant.
Coding change: c.9444+8T>G on transcript NM_018136.5 (MANE Select); 8 bases into the intron after coding-DNA position 9444, T replaced by G.
Molecular consequence: intron variant.
Genome position (GRCh38, 1-based): chr1:197,091,899, A>C on the plus strand (T>G on the coding strand, the complement: ASPM is on the minus strand). VCF-style: chr1-197091899-A-C. GRCh37 (hg19) VCF-style: chr1-197061029-A-C.
Other names: c.4689+8T>G (NM_001206846.2).
Identifiers: ClinVar variation 157912 (VCV000157912.54), dbSNP rs140150599, ClinGen allele CA201898.
Genomic context (GRCh38, chr1:197,091,899, plus strand): 5'-TATTACATATCAAAAATTTCTAACAGAAAAATTATATCATATAGTTTTACTGCAAAGAAG[A>C]AGCAAACCTGAATACAGATGACTGAATTAACCTGCTTGTTAGCATTCTTCACAGCCAGGT-3'

ClinVar aggregate classification (germline): Benign/Likely benign. Review status: criteria provided, multiple submitters, no conflicts (2 of 4 stars). 9 submissions from 9 submitters: Benign (4); Likely benign (5). Last evaluated 2025-12-07.

Conditions:
Microcephaly 5, primary, autosomal recessive (MCPH5). Also called: ASPM Primary Microcephaly. Identifiers: Orphanet 2512, MedGen C1837501, MONDO:0012106, OMIM 608716.

Allele frequency attached by ClinVar (database versions not stated): gnomAD exomes 0.00025 and 0.00064; ExAC 0.00078; gnomAD 0.00259 and 0.00278; 1000 Genomes Project 30x 0.00265; ESP Exome Variant Server 0.00269; TOPMed 0.00296; 1000 Genomes Project 0.00339.
gnomAD v4.1: 765 of 1,609,224 alleles (0.048%); highest among the groups gnomAD compares: African/African-American, 0.9%; 6 homozygotes.

Submissions (9):

Labcorp Genetics (formerly Invitae), Labcorp
Classification: Benign. Last evaluated: 2025-12-07. Review status: criteria provided, single submitter. Criteria: Invitae Variant Classification Sherloc (09022015). Collection method: clinical testing. Allele origin: germline.

Blueprint Genetics
Classification: Likely benign. Last evaluated: 2024-10-09. Review status: criteria provided, single submitter. Criteria: ACMG Guidelines, 2015. Collection method: clinical testing. Allele origin: germline.

Genome-Nilou Lab
Classification: Likely benign for Microcephaly 5, primary, autosomal recessive. Last evaluated: 2023-04-11. Review status: criteria provided, single submitter. Criteria: ACMG Guidelines, 2015. Collection method: clinical testing. Allele origin: germline. Affected: no.

CeGaT Center for Human Genetics Tuebingen
Classification: Likely benign. Last evaluated: 2023-02-01. Review status: criteria provided, single submitter. Criteria: CeGaT Center For Human Genetics Tuebingen Variant Classification Criteria Version 2. Collection method: clinical testing. Allele origin: germline. Affected: yes. Observed: 1 variant allele.
Comment: ASPM: BP4, BS2

Athena Diagnostics
Classification: Benign. Last evaluated: 2019-05-23. Review status: criteria provided, single submitter. Criteria: Athena Diagnostics Criteria. Collection method: clinical testing. Allele origin: germline.

GeneDx
Classification: Likely benign. Last evaluated: 2018-03-02. Review status: criteria provided, single submitter. Criteria: GeneDx Variant Classification (06012015). Collection method: clinical testing. Allele origin: germline. Affected: yes.
Comment: This variant is considered likely benign or benign based on one or more of the following criteria: it is a conservative change, it occurs at a poorly conserved position in the protein, it is predicted to be benign by multiple in silico algorithms, and/or has population frequency not consistent with disease.

Illumina Laboratory Services, Illumina
Classification: Likely benign for Microcephaly 5, primary, autosomal recessive. Last evaluated: 2018-01-13. Review status: criteria provided, single submitter. Criteria: ICSL Variant Classification Criteria 13 December 2019. Collection method: clinical testing. Allele origin: germline.
Comment: This variant was observed in the ICSL laboratory as part of a predisposition screen in an ostensibly healthy population. It had not been previously curated by ICSL or reported in the Human Gene Mutation Database (HGMD: prior to June 1st, 2018), and was therefore a candidate for classification through an automated scoring system. Utilizing variant allele frequency, disease prevalence and penetrance estimates, and inheritance mode, an automated score was calculated to assess if this variant is too frequent to cause the disease. Based on the score and internal cut-off values, a variant classified as likely benign is not then subjected to further curation. The score for this variant resulted in a classification of likely benign for this disease.

Genetic Services Laboratory, University of Chicago
Classification: Benign. Last evaluated: 2015-08-19. Review status: criteria provided, single submitter. Criteria: ACMG Guidelines, 2015. Collection method: clinical testing. Allele origin: germline. Affected: no.

Eurofins Ntd Llc (ga)
Classification: Benign. Last evaluated: 2015-05-27. Review status: criteria provided, single submitter. Criteria: EGL Classification Definitions 2015. Collection method: clinical testing. Allele origin: germline. Observed: 1 variant allele, 1 heterozygote.